The following is an entry in ClinVar:

ClinVar aggregate classification (germline): Benign/Likely benign. Review status: criteria provided, multiple submitters, no conflicts (2 of 4 stars). 5 submissions from 5 submitters: Benign (4); Likely benign (1). Last evaluated 2026-02-02.

Conditions:
Primary immunodeficiency with post-measles-mumps-rubella vaccine viral infection. Also called: Immunodeficiency 44. Identifiers: Orphanet 431166, MedGen C4225260, MONDO:0014715, OMIM 616636.

Allele frequency attached by ClinVar (database versions not stated): ESP Exome Variant Server 0.00069; gnomAD exomes 0.00383 and 0.01670; gnomAD 0.00654 and 0.00705; ExAC 0.01263; TOPMed 0.01308; 1000 Genomes Project 0.01577; 1000 Genomes Project 30x 0.01671.
gnomAD v4.1: 6,717 of 1,614,200 alleles (0.42%); highest among the groups gnomAD compares: Admixed American, 9.4%; 366 homozygotes.

Submissions (5):

Labcorp Genetics (formerly Invitae), Labcorp
Classification: Benign for Primary immunodeficiency with post-measles-mumps-rubella vaccine viral infection. Last evaluated: 2026-02-02. Review status: criteria provided, single submitter. Criteria: Invitae Variant Classification Sherloc (09022015). Collection method: clinical testing. Allele origin: germline.

Women's Health and Genetics/Laboratory Corporation of America, LabCorp
Classification: Likely benign. Last evaluated: 2026-01-21. Review status: criteria provided, single submitter. Criteria: LabCorp Variant Classification Summary - May 2015. Collection method: clinical testing. Allele origin: germline.

Unidad de Genómica Garrahan, Hospital de Pediatría Garrahan
Classification: Benign. Last evaluated: 2024-01-24. Review status: criteria provided, single submitter. Criteria: ACMG Guidelines, 2015. Collection method: clinical testing. Allele origin: germline. Affected: no. Observed: 19 variant alleles.
Comment: This variant is classified as Benign based on local population frequency. This variant was detected in 22% of patients studied by a panel of primary immunodeficiencies. Number of patients: 19. Only high quality variants are reported.

Mayo Clinic Laboratories, Mayo Clinic
Classification: Benign. Last evaluated: 2022-09-06. Review status: criteria provided, single submitter. Criteria: ACMG Guidelines, 2015. Collection method: clinical testing. Allele origin: germline. Observed: 8 variant alleles.

Breakthrough Genomics
Classification: Benign. Review status: criteria provided, single submitter. Criteria: ACMG Guidelines, 2015. Collection method: not provided. Allele origin: germline. Inheritance: Autosomal recessive inheritance. Affected: yes.

NM_005419.4(STAT2):c.1343C>T (p.Thr448Met)

Gene: STAT2 (signal transducer and activator of transcription 2; minus strand). Cytogenetic location: 12q13.3.
Variant type: single nucleotide variant.
Coding change: c.1343C>T on transcript NM_005419.4 (MANE Select); coding-DNA position 1343, C replaced by T.
Protein change: p.Thr448Met; replaces threonine 448 with methionine.
Molecular consequence: missense variant.
Genome position (GRCh38, 1-based): chr12:56,349,260, G>A on the plus strand (C>T on the coding strand, the complement: STAT2 is on the minus strand). VCF-style: chr12-56349260-G-A. GRCh37 (hg19) VCF-style: chr12-56743044-G-A.
Other names: p.Thr448Met; c.1331C>T, p.Thr444Met (NM_198332.2); c.1343C>T, p.Thr448Met (LRG_1329t1); short protein forms T448M, T444M.
Identifiers: ClinVar variation 475688 (VCV000475688.16), dbSNP rs2066815, ClinGen allele CA6630534.
Genomic context (GRCh38, chr12:56,349,260, plus strand): 5'-GAAGCCCAGGCAATTGAGAGCTGGTTCATGTTGGAAATAATCACCACAGGGAGGGTGTCC[G>A]TCTGGGGAGAAGACAGGAGTCACAGAGAGGGATGTGATGTTTCTAGCTGCAGGTATTTGT-3'
Protein context (NP_005410.1, residues 438-458): TYQGLKQELK[Thr448Met]DTLPVVIISN